The following is an entry in ClinVar:

ClinVar aggregate classification (germline): Benign/Likely benign. Review status: criteria provided, multiple submitters, no conflicts (2 of 4 stars). 12 submissions from 9 submitters: Benign (8); Likely benign (1). 3 of the submissions do not count toward it. Last evaluated 2026-02-03.

Conditions:
Autosomal recessive limb-girdle muscular dystrophy type 2J (LGMDR10). Also called: MUSCULAR DYSTROPHY, LIMB-GIRDLE, AUTOSOMAL RECESSIVE 10; Limb-girdle muscular dystrophy, type 2J. Identifiers: Orphanet 140922, MedGen C1837342, MONDO:0012127, OMIM 608807.
Tibial muscular dystrophy (TMD). Also called: UDD MYOPATHY; Tibial muscular dystrophy, tardive; Udd Distal Myopathy – Tibial Muscular Dystrophy. Identifiers: Orphanet 609, MedGen C1838244, MONDO:0010870, OMIM 600334.
Early-onset myopathy with fatal cardiomyopathy (CMYO5). Also called: CONGENITAL MYOPATHY 5 WITH CARDIOMYOPATHY; Salih Myopathy. Identifiers: Orphanet 289377, MedGen C2673677, MONDO:0012714, OMIM 611705. Disease mechanism: loss of function.
Dilated cardiomyopathy 1G (CMD1G). Identifiers: Orphanet 154, MedGen C1858763, MONDO:0011400, OMIM 604145.
Myopathy, myofibrillar, 9, with early respiratory failure (MFM9). Also called: EDSTROM MYOPATHY; Myopathy, distal, with early respiratory failure, autosomal dominant; Hereditary myopathy with early respiratory failure; MYOPATHY, PROXIMAL, WITH EARLY RESPIRATORY MUSCLE INVOLVEMENT. Identifiers: Orphanet 178464, Orphanet 34521, MedGen C1863599, MONDO:0011362, OMIM 603689.

Allele frequency attached by ClinVar (database versions not stated): gnomAD 0.00002 and 0.00048; TOPMed 0.00016; gnomAD exomes 0.00097 and 0.00202; ExAC 0.00229; 1000 Genomes Project 0.00359; 1000 Genomes Project 30x 0.00359.
gnomAD v4.1: 1,477 of 1,559,272 alleles (0.095%); highest among the groups gnomAD compares: South Asian, 1.6%; 27 homozygotes.

Submissions (12):

Labcorp Genetics (formerly Invitae), Labcorp
Classification: Benign for Dilated cardiomyopathy 1G; Autosomal recessive limb-girdle muscular dystrophy type 2J. Last evaluated: 2026-02-03. Review status: criteria provided, single submitter. Criteria: Invitae Variant Classification Sherloc (09022015). Collection method: clinical testing. Allele origin: germline.

Blueprint Genetics
Classification: Likely benign. Last evaluated: 2024-10-08. Review status: criteria provided, single submitter. Criteria: ACMG Guidelines, 2015. Collection method: clinical testing. Allele origin: germline.

ARUP Laboratories, Molecular Genetics and Genomics, ARUP Laboratories
Classification: Benign. Last evaluated: 2024-08-11. Review status: criteria provided, single submitter. Criteria: ARUP Molecular Germline Variant Investigation Process 2024. Collection method: clinical testing. Allele origin: germline.

Genome-Nilou Lab
Classification: Benign for Autosomal recessive limb-girdle muscular dystrophy type 2J. Last evaluated: 2021-09-10. Review status: criteria provided, single submitter. Criteria: ACMG Guidelines, 2015. Collection method: clinical testing. Allele origin: germline. Affected: no.

Genome-Nilou Lab
Classification: Benign for Myopathy, myofibrillar, 9, with early respiratory failure. Last evaluated: 2021-09-10. Review status: criteria provided, single submitter. Criteria: ACMG Guidelines, 2015. Collection method: clinical testing. Allele origin: germline. Affected: no.

Genome-Nilou Lab
Classification: Benign for Early-onset myopathy with fatal cardiomyopathy. Last evaluated: 2021-09-10. Review status: criteria provided, single submitter. Criteria: ACMG Guidelines, 2015. Collection method: clinical testing. Allele origin: germline. Affected: no.

Genome-Nilou Lab
Classification: Benign for Tibial muscular dystrophy. Last evaluated: 2021-09-10. Review status: criteria provided, single submitter. Criteria: ACMG Guidelines, 2015. Collection method: clinical testing. Allele origin: germline. Affected: no.

Women's Health and Genetics/Laboratory Corporation of America, LabCorp
Classification: Benign. Last evaluated: 2020-11-02. Review status: criteria provided, single submitter. Criteria: LabCorp Variant Classification Summary - May 2015. Collection method: clinical testing. Allele origin: germline.

GeneDx
Classification: Benign. Last evaluated: 2016-10-07. Review status: criteria provided, single submitter. Criteria: GeneDx Variant Classification (06012015). Collection method: clinical testing. Allele origin: germline. Affected: yes.
Comment: This variant is considered likely benign or benign based on one or more of the following criteria: it is a conservative change, it occurs at a poorly conserved position in the protein, it is predicted to be benign by multiple in silico algorithms, and/or has population frequency not consistent with disease.

Clinical Genetics DNA and cytogenetics Diagnostics Lab, Erasmus MC, Erasmus Medical Center
Classification: Benign. Review status: no assertion criteria provided. Collection method: clinical testing. Allele origin: germline. Affected: yes. Study: VKGL Data-share Consensus. Not counted in ClinVar's aggregate classification.

Clinical Genetics, Academic Medical Center
Classification: Benign. Review status: no assertion criteria provided. Collection method: clinical testing. Allele origin: germline. Affected: yes. Study: VKGL Data-share Consensus. Not counted in ClinVar's aggregate classification.

Genome Diagnostics Laboratory, University Medical Center Utrecht
Classification: Benign. Review status: no assertion criteria provided. Collection method: clinical testing. Allele origin: germline. Affected: yes. Study: VKGL Data-share Consensus. Not counted in ClinVar's aggregate classification.

NM_001267550.2(TTN):c.88895-18C>T

Genes: TTN (titin; minus strand), TTN-AS1 (TTN antisense RNA 1; plus strand). Cytogenetic location: 2q31.2.
Variant type: single nucleotide variant.
Coding change: c.88895-18C>T on transcript NM_001267550.2 (MANE Select); 18 bases into the intron before coding-DNA position 88895, C replaced by T.
Molecular consequence: intron variant.
Genome position (GRCh38, 1-based): chr2:178,554,234, G>A on the plus strand (C>T on the coding strand, the complement: TTN is on the minus strand). VCF-style: chr2-178554234-G-A. GRCh37 (hg19) VCF-style: chr2-179418961-G-A.
Other names: c.61700-18C>T (NM_003319.4); c.62276-18C>T (NM_133437.4); c.62075-18C>T (NM_133432.3); c.81191-18C>T (NM_133378.4); c.83972-18C>T (NM_001256850.1).
Identifiers: ClinVar variation 378827 (VCV000378827.17), dbSNP rs547463003, ClinGen allele CA1988020.
Genomic context (GRCh38, chr2:178,554,234, plus strand): 5'-GTAATCTTTGTCACTTCTGGTATGCCTGGTGGCCCAGGTGTAACTATTTAGAAAGGAAGG[G>A]AAAACAAGGTACAAGAATCCACATTACTGATAAATTATACCTTTGATGTTCGCATTCTTT-3'